The following is an entry in ClinVar:

ClinVar aggregate classification (germline): Uncertain significance (1 of 4 stars; one submission).

Submission:

GeneDx
Classification: Uncertain significance. Last evaluated: 2022-04-15. Review status: criteria provided, single submitter. Criteria: GeneDx Variant Classification Process June 2021. Collection method: clinical testing. Allele origin: germline. Affected: yes.
Comment: Not observed at significant frequency in large population cohorts (gnomAD); Nonsense variant predicted to result in protein truncation or nonsense mediated decay in a gene or region of a gene for which loss of function is not a well-established mechanism of disease; Has not been previously published as pathogenic or benign to our knowledge

NM_198503.5(KCNT2):c.133A>T (p.Lys45Ter)

Gene: KCNT2 (potassium sodium-activated channel subfamily T member 2; minus strand). Cytogenetic location: 1q31.3.
Variant type: single nucleotide variant.
Coding change: c.133A>T on transcript NM_198503.5 (MANE Select); coding-DNA position 133, A replaced by T.
Protein change: p.Lys45Ter; replaces lysine 45 with a stop codon.
Molecular consequence: nonsense. On other transcripts: non-coding transcript variant (2).
Genome position (GRCh38, 1-based): chr1:196,492,304, T>A on the plus strand (A>T on the coding strand, the complement: KCNT2 is on the minus strand). VCF-style: chr1-196492304-T-A. GRCh37 (hg19) VCF-style: chr1-196461434-T-A.
Other names: c.133A>T, p.Lys45Ter (NM_001287819.3, NM_001287820.3); short protein forms K45*.
Identifiers: ClinVar variation 1710742 (VCV001710742.2), dbSNP rs2148733735, ClinGen allele CA344079596.